The following is an entry in ClinVar:

NM_005902.4(SMAD3):c.1132A>G (p.Lys378Glu)

Gene: SMAD3 (SMAD family member 3; plus strand). Cytogenetic location: 15q22.33.
Variant type: single nucleotide variant.
Coding change: c.1132A>G on transcript NM_005902.4 (MANE Select); coding-DNA position 1132, A replaced by G.
Protein change: p.Lys378Glu; replaces lysine 378 with glutamic acid.
Molecular consequence: missense variant.
Genome position (GRCh38, 1-based): chr15:67,187,487, A>G. VCF-style: chr15-67187487-A-G. GRCh37 (hg19) VCF-style: chr15-67479825-A-G.
Other names: c.817A>G, p.Lys273Glu (NM_001145102.2); c.1000A>G, p.Lys334Glu (NM_001145103.2); c.547A>G, p.Lys183Glu (NM_001145104.2); short protein forms K183E, K273E, K334E, K378E.
Identifiers: ClinVar variation 1329282 (VCV001329282.3), dbSNP rs2140323743, ClinGen allele CA392958321.

ClinVar aggregate classification (germline): Uncertain significance. Review status: criteria provided, multiple submitters, no conflicts (2 of 4 stars). 2 submissions from 2 submitters: Uncertain significance (2). Last evaluated 2026-03-27.

Conditions:
Familial thoracic aortic aneurysm and aortic dissection (TAAD). Also called: Thoracic aortic aneurysms and dissections. Identifiers: Orphanet 91387, MedGen C4707243, MONDO:0019625.
Cardiovascular phenotype. Identifiers: MedGen CN230736.

Submissions (2):

Molecular Diagnostic Laboratory for Inherited Cardiovascular Disease, Montreal Heart Institute
Classification: Uncertain significance for Cardiovascular phenotype. Last evaluated: 2026-03-27. Review status: criteria provided, single submitter. Criteria: ACMG Guidelines, 2015. Collection method: clinical testing. Allele origin: germline. Affected: yes.
Comment: PM2, PP3

CHEO Genetics Diagnostic Laboratory, Children's Hospital of Eastern Ontario
Classification: Uncertain significance for Familial thoracic aortic aneurysm and aortic dissection. Last evaluated: 2019-10-08. Review status: criteria provided, single submitter. Criteria: ACMG Guidelines, 2015. Collection method: clinical testing. Allele origin: germline.